The following is an entry in ClinVar:

ClinVar aggregate classification (germline): Likely benign (1 of 4 stars; one submission).

Submission:

CeGaT Center for Human Genetics Tuebingen
Classification: Likely benign. Last evaluated: 2026-05-01. Review status: criteria provided, single submitter. Criteria: CeGaT Center For Human Genetics Tuebingen Variant Classification Criteria Version 2. Collection method: clinical testing. Allele origin: germline. Affected: yes. Observed: 2 variant alleles.
Comment: DMBT1: PM2:Supporting, BP4, BP7

NM_001377530.1(DMBT1):c.1947G>T (p.Thr649=)

Gene: DMBT1 (deleted in malignant brain tumors 1; plus strand). Cytogenetic location: 10q26.13.
Variant type: single nucleotide variant.
Coding change: c.1947G>T on transcript NM_001377530.1 (MANE Select); coding-DNA position 1947, G replaced by T.
Protein change: p.Thr649=; no amino-acid change (threonine 649 retained).
Molecular consequence: synonymous variant. On other transcripts: intron variant (1).
Genome position (GRCh38, 1-based): chr10:122,589,107, G>T. VCF-style: chr10-122589107-G-T. GRCh37 (hg19) VCF-style: chr10-124348623-G-T.
Other names: c.1947G>T, p.Thr649= (NM_001320644.2, NM_007329.3); c.1917G>T, p.Thr639= (NM_017579.3); c.1420+4756G>T (NM_004406.3).
Identifiers: ClinVar variation 2640925 (VCV002640925.24), dbSNP rs778507692, ClinGen allele CA471746105.